The following is an entry in ClinVar:

NM_001943.5(DSG2):c.2375_2379dup (p.Asp794fs)

Genes: DSG2 (desmoglein 2; plus strand), DSG2-AS1 (DSG2 antisense RNA 1; minus strand). Cytogenetic location: 18q12.1.
Variant type: Duplication.
Coding change: c.2375_2379dup on transcript NM_001943.5 (MANE Select); coding-DNA positions 2375 to 2379, 5 bases duplicated (CCAAA; older notation c.2375_2379dupCCAAA).
Protein change: p.Asp794fs; shifts the reading frame from aspartic acid 794.
Molecular consequence: frameshift variant. On other transcripts: non-coding transcript variant (1).
Genome position (GRCh38, 1-based): chr18:31,545,761-31,545,765, CCAAA duplicated. VCF-style (leftmost placement, unchanged base first): chr18-31545760-G-GCCAAA. GRCh37 (hg19) VCF-style: chr18-29125723-G-GCCAAA.
Other names: short protein forms D794fs.
Identifiers: ClinVar variation 1359573 (VCV001359573.7), dbSNP rs773328409, ClinGen allele CA045898.

ClinVar aggregate classification (germline): Conflicting classifications of pathogenicity. Review status: criteria provided, conflicting classifications (1 of 4 stars). 3 submissions from 3 submitters: Pathogenic (1); Likely pathogenic (1); Uncertain significance (1). Last evaluated 2025-08-25.

Conditions:
Arrhythmogenic right ventricular dysplasia 10. Also called: Arrhythmogenic Right Ventricular Dysplasia/Cardiomyopathy10; ARRHYTHMOGENIC RIGHT VENTRICULAR DYSPLASIA, FAMILIAL, 10; Arrhythmogenic right ventricular dysplasia/cardiomyopathy, type 10. Identifiers: MedGen C1857777, MONDO:0012434, OMIM 610193.
Dilated cardiomyopathy 1BB (CMD1BB). Also called: CARDIOMYOPATHY, DILATED, 1BB, SUSCEPTIBILITY TO. Identifiers: Orphanet 154, MedGen C2752072, MONDO:0013030, OMIM 612877.
Cardiomyopathy (CMYO). Also called: Cardiomyopathies. Identifiers: Orphanet 167848, MedGen C0878544, MONDO:0004994, HP:0001638. Inheritance: Various modes of inheritance.

Allele frequency attached by ClinVar (database versions not stated): gnomAD exomes below 0.00001 and 0.00001; TOPMed below 0.00001; ExAC 0.00001.

Submissions (3):

Color Diagnostics, LLC DBA Color Health
Classification: Uncertain significance for Cardiomyopathy. Last evaluated: 2025-08-25. Review status: criteria provided, single submitter. Criteria: ACMG Guidelines, 2015. Collection method: clinical testing. Allele origin: germline.
Comment: This variant inserts 5 nucleotides in exon 15 of the DSG2 gene, creating a frameshift and premature translation stop signal in the last exon. The mutant transcript is expected to escape nonsense-mediated decay and be expressed as a protein product containing altered C-terminal sequence. To our knowledge, functional studies have not been reported for this variant. This variant has not been reported in individuals affected with DSG2-related disorders in the literature. This variant has been identified in 2/249434 chromosomes in the general population by the Genome Aggregation Database (gnomAD). The available evidence is insufficient to determine the role of this variant in disease conclusively. Therefore, this variant is classified as a Variant of Uncertain Significance.

Labcorp Genetics (formerly Invitae), Labcorp
Classification: Pathogenic for Arrhythmogenic right ventricular dysplasia 10. Last evaluated: 2025-04-17. Review status: criteria provided, single submitter. Criteria: Invitae Variant Classification Sherloc (09022015). Collection method: clinical testing. Allele origin: germline.
Comment: This sequence change creates a premature translational stop signal (p.Asp794Profs*16) in the DSG2 gene. While this is not anticipated to result in nonsense mediated decay, it is expected to disrupt the last 325 amino acid(s) of the DSG2 protein. This variant is present in population databases (rs773328409, gnomAD 0.007%). This variant has not been reported in the literature in individuals affected with DSG2-related conditions. ClinVar contains an entry for this variant (Variation ID: 1359573). This variant disrupts a region of the DSG2 protein in which other variant(s) (p.Glu1020Alafs*18) have been determined to be pathogenic (PMID: 20864495, 21397041, 23381804; internal data). This suggests that this is a clinically significant region of the protein, and that variants that disrupt it are likely to be disease-causing. For these reasons, this variant has been classified as Pathogenic.

Fulgent Genetics
Classification: Likely pathogenic for Arrhythmogenic right ventricular dysplasia 10; Dilated cardiomyopathy 1BB. Last evaluated: 2021-09-27. Review status: criteria provided, single submitter. Criteria: ACMG Guidelines, 2015. Collection method: clinical testing. Allele origin: unknown.

Literature cited by the submitters: PubMed 20864495 (cited by Labcorp Genetics (formerly Invitae), Labcorp); PubMed 21397041 (cited by Labcorp Genetics (formerly Invitae), Labcorp); PubMed 23381804 (cited by Labcorp Genetics (formerly Invitae), Labcorp).